The following is an entry in ClinVar:

ClinVar aggregate classification (germline): Conflicting classifications of pathogenicity. Review status: criteria provided, conflicting classifications (1 of 4 stars). 2 submissions from 2 submitters: Uncertain significance (1); Likely benign (1). Last evaluated 2025-10-25.

Conditions:
Familial cancer of breast. Also called: Hereditary breast cancer; BREAST CANCER, FAMILIAL; hereditary breast carcinoma. Identifiers: Orphanet 227535, MedGen C0346153, MONDO:0016419, OMIM 114480. Disease mechanism: loss of function.
Hereditary cancer-predisposing syndrome. Also called: Neoplastic Syndromes, Hereditary; Tumor predisposition; Hereditary Cancer Syndrome; Hereditary neoplastic syndrome. Identifiers: Orphanet 140162, MedGen C0027672, MeSH D009386, MONDO:0015356.

Submissions (2):

Labcorp Genetics (formerly Invitae), Labcorp
Classification: Uncertain significance for Familial cancer of breast. Last evaluated: 2025-10-25. Review status: criteria provided, single submitter. Criteria: Invitae Variant Classification Sherloc (09022015). Collection method: clinical testing. Allele origin: germline.
Comment: This sequence change replaces valine, which is neutral and non-polar, with isoleucine, which is neutral and non-polar, at codon 539 of the PALB2 protein (p.Val539Ile). This variant is not present in population databases (gnomAD no frequency). This variant has not been reported in the literature in individuals affected with PALB2-related conditions. ClinVar contains an entry for this variant (Variation ID: 2777763). Invitae Evidence Modeling of protein sequence and biophysical properties (such as structural, functional, and spatial information, amino acid conservation, physicochemical variation, residue mobility, and thermodynamic stability) indicates that this missense variant is not expected to disrupt PALB2 protein function with a negative predictive value of 80%. In summary, the available evidence is currently insufficient to determine the role of this variant in disease. Therefore, it has been classified as a Variant of Uncertain Significance.

Ambry Genetics
Classification: Likely benign for Hereditary cancer-predisposing syndrome. Last evaluated: 2025-04-15. Review status: criteria provided, single submitter. Criteria: Ambry Variant Classification Scheme 2023. Collection method: clinical testing. Allele origin: germline.

NM_024675.4(PALB2):c.1615G>A (p.Val539Ile)

Gene: PALB2 (partner and localizer of BRCA2; minus strand). Cytogenetic location: 16p12.2.
Variant type: single nucleotide variant.
Coding change: c.1615G>A on transcript NM_024675.4 (MANE Select); coding-DNA position 1615, G replaced by A.
Protein change: p.Val539Ile; replaces valine 539 with isoleucine.
Molecular consequence: missense variant. On other transcripts: intron variant (3).
Genome position (GRCh38, 1-based): chr16:23,634,931, C>T on the plus strand (G>A on the coding strand, the complement: PALB2 is on the minus strand). VCF-style: chr16-23634931-C-T. GRCh37 (hg19) VCF-style: chr16-23646252-C-T.
Other names: c.1555G>A, p.Val519Ile (NM_001407296.1); c.1615G>A, p.Val539Ile (NM_001407297.1, NM_001407298.1, NM_001407299.1 and 3 more transcripts); c.730G>A, p.Val244Ile (NM_001407304.1, NM_001407305.1, NM_001407306.1 and 5 more transcripts); c.49-5656G>A (NM_001407314.1); c.-104-4462G>A (NM_001407313.1, NM_001407312.1); short protein forms V519I, V244I, V539I.
Identifiers: ClinVar variation 2777763 (VCV002777763.4), dbSNP rs2142411065, ClinGen allele CA395130420.
Genomic context (GRCh38, chr16:23,634,931, plus strand): 5'-GAATAAATAATTTTTCGTGCTGATATTTGTGTGAGGTGACTTCTTCCTTGGACCTGTTAA[C>T]AATCGACAGGCTAGAAGTTGGCAAAAGTGGTTCACAATGATCTGATGCTGGGGTGCAGGC-3'
Protein context (NP_078951.2, residues 529-549): PLLPTSSLSI[Val539Ile]NRSKEEVTSH